The following is an entry in ClinVar:

NM_001303052.2(MYT1L):c.687C>G (p.Thr229=)

Gene: MYT1L (myelin transcription factor 1 like; minus strand). Cytogenetic location: 2p25.3.
Variant type: single nucleotide variant.
Coding change: c.687C>G on transcript NM_001303052.2 (MANE Select); coding-DNA position 687, C replaced by G.
Protein change: p.Thr229=; no amino-acid change (threonine 229 retained).
Molecular consequence: synonymous variant.
Genome position (GRCh38, 1-based): chr2:1,923,082, G>C on the plus strand (C>G on the coding strand, the complement: MYT1L is on the minus strand). VCF-style: chr2-1923082-G-C. GRCh37 (hg19) VCF-style: chr2-1926854-G-C.
Other names: c.687C>G, p.Thr229= (NM_001329844.2, NM_001329845.1, NM_001329846.3 and 6 more transcripts).
Identifiers: ClinVar variation 2650629 (VCV002650629.25), dbSNP rs1422284715, ClinGen allele CA424759165.

ClinVar aggregate classification (germline): Likely benign. Review status: criteria provided, multiple submitters, no conflicts (2 of 4 stars). 2 submissions from 2 submitters: Likely benign (2). Last evaluated 2026-09-01.

Submissions (2):

CeGaT Center for Human Genetics Tuebingen
Classification: Likely benign. Last evaluated: 2026-09-01. Review status: criteria provided, single submitter. Criteria: CeGaT Center For Human Genetics Tuebingen Variant Classification Criteria Version 2. Collection method: clinical testing. Allele origin: germline. Affected: yes. Observed: 2 variant alleles.
Comment: MYT1L: PM2:Supporting, BP4, BP7

Blueprint Genetics
Classification: Likely benign. Last evaluated: 2021-10-07. Review status: criteria provided, single submitter. Criteria: ACMG Guidelines, 2015. Collection method: clinical testing. Allele origin: germline.